The following is an entry in ClinVar:

NM_004928.3(CFAP410):c.450A>G (p.Thr150=)

Gene: CFAP410 (cilia and flagella associated protein 410; minus strand). Cytogenetic location: 21q22.3.
Variant type: single nucleotide variant.
Coding change: c.450A>G on transcript NM_004928.3 (MANE Select); coding-DNA position 450, A replaced by G.
Protein change: p.Thr150=; no amino-acid change (threonine 150 retained).
Molecular consequence: synonymous variant.
Genome position (GRCh38, 1-based): chr21:44,331,938, T>C on the plus strand (A>G on the coding strand, the complement: CFAP410 is on the minus strand). VCF-style: chr21-44331938-T-C. GRCh37 (hg19) VCF-style: chr21-45751821-T-C.
Other names: c.450A>G, p.Thr150= (NM_001271440.2, NM_001271441.2); c.327A>G, p.Thr109= (NM_001271442.1).
Identifiers: ClinVar variation 3356809 (VCV003356809.1).

ClinVar aggregate classification (germline): Likely benign (0 of 4 stars; one submission).

Conditions:
CFAP410-related disorder. Also called: CFAP410-related condition.

Submission:

PreventionGenetics, part of Exact Sciences
Classification: Likely benign for CFAP410-related condition. Last evaluated: 2023-06-15. Review status: no assertion criteria provided. Collection method: clinical testing. Allele origin: germline.
Comment: This variant is classified as likely benign based on ACMG/AMP sequence variant interpretation guidelines (Richards et al. 2015 PMID: 25741868, with internal and published modifications).